The following is an entry in ClinVar:

ClinVar aggregate classification (germline): Uncertain significance. Review status: criteria provided, multiple submitters, no conflicts (2 of 4 stars). 3 submissions from 3 submitters: Uncertain significance (2). 1 of the submissions does not count toward it. Last evaluated 2025-01-25.

Conditions:
GUCY2D-related disorder. Also called: GUCY2D-related condition.
Inborn genetic diseases. Identifiers: MedGen C0950123, MeSH D030342.

Allele frequency attached by ClinVar (database versions not stated): gnomAD exomes below 0.00001; gnomAD 0.00001; TOPMed 0.00001.

Submissions (3):

Ambry Genetics
Classification: Uncertain significance for Inborn genetic diseases. Last evaluated: 2025-01-25. Review status: criteria provided, single submitter. Criteria: Ambry Variant Classification Scheme 2023. Collection method: clinical testing. Allele origin: germline.

Blueprint Genetics
Classification: Uncertain significance. Last evaluated: 2021-05-25. Review status: criteria provided, single submitter. Criteria: ACMG Guidelines, 2015. Collection method: clinical testing. Allele origin: germline.

PreventionGenetics, part of Exact Sciences
Classification: Uncertain significance for GUCY2D-related condition. Last evaluated: 2023-11-21. Review status: no assertion criteria provided. Collection method: clinical testing. Allele origin: germline. Not counted in ClinVar's aggregate classification.
Comment: The GUCY2D c.3169G>A variant is predicted to result in the amino acid substitution p.Val1057Met. To our knowledge, this variant has not been reported in the literature. This variant is reported in 0.015% of alleles in individuals of African descent in gnomAD. At this time, the clinical significance of this variant is uncertain due to the absence of conclusive functional and genetic evidence.

NM_000180.4(GUCY2D):c.3169G>A (p.Val1057Met)

Gene: GUCY2D (guanylate cyclase 2D, retinal; plus strand). Cytogenetic location: 17p13.1.
Variant type: single nucleotide variant.
Coding change: c.3169G>A on transcript NM_000180.4 (MANE Select); coding-DNA position 3169, G replaced by A.
Protein change: p.Val1057Met; replaces valine 1057 with methionine.
Molecular consequence: missense variant.
Genome position (GRCh38, 1-based): chr17:8,016,235, G>A. VCF-style: chr17-8016235-G-A. GRCh37 (hg19) VCF-style: chr17-7919553-G-A.
Other names: short protein forms V1057M.
Identifiers: ClinVar variation 3050370 (VCV003050370.4), dbSNP rs1271532171, ClinGen allele CA397956008.
Genomic context (GRCh38, chr17:8,016,235, plus strand): 5'-TAAGTCCTTCCCTCTCCCATGTCTCCCCAGGGCAAGGGCGCCGAGGACACTTTCTGGCTA[G>A]TGGGCAGACGCGGCTTCAACAAGCCCATCCCCAAACCGCCTGACCTGCAACCGGGGTGAG-3'
Protein context (NP_000171.1, residues 1047-1067): GKGAEDTFWL[Val1057Met]GRRGFNKPIP